The following is an entry in ClinVar:

ClinVar aggregate classification (germline): Uncertain significance (1 of 4 stars; one submission).

Conditions:
Inborn genetic diseases. Identifiers: MedGen C0950123, MeSH D030342.

Submission:

Ambry Genetics
Classification: Uncertain significance for Inborn genetic diseases. Last evaluated: 2025-11-02. Review status: criteria provided, single submitter. Criteria: Ambry Variant Classification Scheme 2023. Collection method: clinical testing. Allele origin: germline.
Comment: The p.Y417F variant (also known as c.1250A>T), located in coding exon 1 of the SAMD9L gene, results from an A to T substitution at nucleotide position 1250. The tyrosine at codon 417 is replaced by phenylalanine, an amino acid with highly similar properties. This amino acid position is conserved. In addition, this alteration is predicted to be tolerated by in silico analysis. Based on the available evidence, the clinical significance of this variant remains unclear.

NM_152703.5(SAMD9L):c.1250A>T (p.Tyr417Phe)

Gene: SAMD9L (sterile alpha motif domain containing 9 like; minus strand). Cytogenetic location: 7q21.2.
Variant type: single nucleotide variant.
Coding change: c.1250A>T on transcript NM_152703.5 (MANE Select); coding-DNA position 1250, A replaced by T.
Protein change: p.Tyr417Phe; replaces tyrosine 417 with phenylalanine.
Molecular consequence: missense variant.
Genome position (GRCh38, 1-based): chr7:93,134,722, T>A on the plus strand (A>T on the coding strand, the complement: SAMD9L is on the minus strand). VCF-style: chr7-93134722-T-A. GRCh37 (hg19) VCF-style: chr7-92764035-T-A.
Other names: c.1250A>T, p.Tyr417Phe (NM_001303496.3, NM_001303497.3, NM_001303498.3 and 5 more transcripts); short protein forms Y417F.
Identifiers: ClinVar variation 4630092 (VCV004630092.1).
Genomic context (GRCh38, chr7:93,134,722, plus strand): 5'-TCTTTTAAAAAATCTAAGTGCTTTATTTGGTTTGGATGGCATTTATTTGTTACAAGAATG[T>A]ACCAGTCATAGTATGAATTATCCAGTGAGTCTCGGTTTCCTATGAGAAGTTTAACCAGCT-3'
Protein context (NP_689916.2, residues 407-427): DSLDNSYYDW[Tyr417Phe]ILVTNKCHPN